The following is an entry in ClinVar:

NM_001127222.2(CACNA1A):c.5080G>T (p.Val1694Phe)

Gene: CACNA1A (calcium voltage-gated channel subunit alpha1 A; minus strand). Cytogenetic location: 19p13.13.
Variant type: single nucleotide variant.
Coding change: c.5080G>T on transcript NM_001127222.2 (MANE Select); coding-DNA position 5080, G replaced by T.
Protein change: p.Val1694Phe; replaces valine 1694 with phenylalanine.
Molecular consequence: missense variant.
Genome position (GRCh38, 1-based): chr19:13,235,262, C>A on the plus strand (G>T on the coding strand, the complement: CACNA1A is on the minus strand). VCF-style: chr19-13235262-C-A. GRCh37 (hg19) VCF-style: chr19-13346076-C-A.
Other names: c.5098G>T, p.Val1700Phe (NM_000068.4, NM_023035.3); c.5083G>T, p.Val1695Phe (NM_001127221.2); c.5089G>T, p.Val1697Phe (NM_001174080.2); short protein forms V1697F, V1700F, V1694F, V1695F.
Identifiers: ClinVar variation 2925638 (VCV002925638.3), dbSNP rs121908224, ClinGen allele CA404335916.
Genomic context (GRCh38, chr19:13,235,262, plus strand): 5'-CACTCACCTGCATCCCAATGATGGCATAGATGAAGAAGAGCATGGCGATCAGCAGACAGA[C>A]ATAAGGCAGGGCCTGGTGGGAAAAAAGGCAATGAAGAAGAGTGCTGGGGGTCCCTCAGCC-3'
Protein context (NP_001120694.1, residues 1684-1704): FVQSFKALPY[Val1694Phe]CLLIAMLFFI

ClinVar aggregate classification (germline): Pathogenic (1 of 4 stars; one submission).

Conditions:
Developmental and epileptic encephalopathy, 42 (DEE42A). Also called: DEVELOPMENTAL AND EPILEPTIC ENCEPHALOPATHY 42A; EPILEPTIC ENCEPHALOPATHY, EARLY INFANTILE, 42A; Epileptic encephalopathy, early infantile, 42. Identifiers: MedGen C4310716, MONDO:0014917, OMIM 617106.
Episodic ataxia type 2 (EA2). Also called: ACETAZOLAMIDE-RESPONSIVE HEREDITARY PAROXYSMAL CEREBELLAR ATAXIA; ATAXIA, EPISODIC, WITH NYSTAGMUS; ATAXIA, FAMILIAL PAROXYSMAL; CEREBELLAR ATAXIA, PAROXYSMAL, ACETAZOLAMIDE-RESPONSIVE; CEREBELLOPATHY, HEREDITARY PAROXYSMAL; EPISODIC ATAXIA, NYSTAGMUS-ASSOCIATED. Identifiers: Orphanet 97, MedGen C1720416, MONDO:0007163, OMIM 108500.

Submission:

Labcorp Genetics (formerly Invitae), Labcorp
Classification: Pathogenic for Developmental and epileptic encephalopathy, 42; Episodic ataxia type 2. Last evaluated: 2023-10-16. Review status: criteria provided, single submitter. Criteria: Invitae Variant Classification Sherloc (09022015). Collection method: clinical testing. Allele origin: germline.
Comment: This sequence change replaces valine, which is neutral and non-polar, with phenylalanine, which is neutral and non-polar, at codon 1695 of the CACNA1A protein (p.Val1695Phe). This variant is not present in population databases (gnomAD no frequency). This missense change has been observed in individual(s) with CACNA1A-related conditions (PMID: 18498393). In at least one individual the variant was observed to be de novo. Advanced modeling of protein sequence and biophysical properties (such as structural, functional, and spatial information, amino acid conservation, physicochemical variation, residue mobility, and thermodynamic stability) performed at Invitae indicates that this missense variant is expected to disrupt CACNA1A protein function. For these reasons, this variant has been classified as Pathogenic.

Literature cited by the submitters: PubMed 18498393.